The following is an entry in ClinVar:

ClinVar aggregate classification (germline): Uncertain significance (1 of 4 stars; one submission).

Conditions:
Sulfite oxidase deficiency. Also called: Isolated sulfite oxidase deficiency. Identifiers: Orphanet 833, Orphanet 99731, MedGen C0268624, MONDO:0010089, OMIM 272300, HP:0003643.

Allele frequency attached by ClinVar (database versions not stated): gnomAD exomes below 0.00001; gnomAD 0.00003; TOPMed 0.00003.

Submission:

Labcorp Genetics (formerly Invitae), Labcorp
Classification: Uncertain significance for Sulfite oxidase deficiency. Last evaluated: 2025-03-31. Review status: criteria provided, single submitter. Criteria: Invitae Variant Classification Sherloc (09022015). Collection method: clinical testing. Allele origin: germline.
Comment: This sequence change replaces proline, which is neutral and non-polar, with serine, which is neutral and polar, at codon 210 of the SUOX protein (p.Pro210Ser). This variant is not present in population databases (gnomAD no frequency). This variant has not been reported in the literature in individuals affected with SUOX-related conditions. ClinVar contains an entry for this variant (Variation ID: 2180275). Invitae Evidence Modeling of protein sequence and biophysical properties (such as structural, functional, and spatial information, amino acid conservation, physicochemical variation, residue mobility, and thermodynamic stability) has been performed for this missense variant. However, the output from this modeling did not meet the statistical confidence thresholds required to predict the impact of this variant on SUOX protein function. In summary, the available evidence is currently insufficient to determine the role of this variant in disease. Therefore, it has been classified as a Variant of Uncertain Significance.

NM_001032386.2(SUOX):c.628C>T (p.Pro210Ser)

Gene: SUOX (sulfite oxidase; plus strand). Cytogenetic location: 12q13.2.
Variant type: single nucleotide variant.
Coding change: c.628C>T on transcript NM_001032386.2 (MANE Select); coding-DNA position 628, C replaced by T.
Protein change: p.Pro210Ser; replaces proline 210 with serine.
Molecular consequence: missense variant.
Genome position (GRCh38, 1-based): chr12:56,004,017, C>T. VCF-style: chr12-56004017-C-T. GRCh37 (hg19) VCF-style: chr12-56397801-C-T.
Other names: c.628C>T, p.Pro210Ser (NM_000456.3, NM_001032387.2); short protein forms P210S.
Identifiers: ClinVar variation 2180275 (VCV002180275.2), dbSNP rs988609191, ClinGen allele CA237605176.